The following is an entry in ClinVar:

NM_001004334.4(GPR179):c.3313G>T (p.Glu1105Ter)

Gene: GPR179 (G protein-coupled receptor 179; minus strand). Cytogenetic location: 17q12.
Variant type: single nucleotide variant.
Coding change: c.3313G>T on transcript NM_001004334.4 (MANE Select); coding-DNA position 3313, G replaced by T.
Protein change: p.Glu1105Ter; replaces glutamic acid 1105 with a stop codon.
Molecular consequence: nonsense.
Genome position (GRCh38, 1-based): chr17:38,330,256, C>A on the plus strand (G>T on the coding strand, the complement: GPR179 is on the minus strand). VCF-style: chr17-38330256-C-A. GRCh37 (hg19) VCF-style: chr17-36486139-C-A.
Other names: short protein forms E1105*.
Identifiers: ClinVar variation 2024158 (VCV002024158.4), dbSNP rs2037340387, ClinGen allele CA398880075.

ClinVar aggregate classification (germline): Uncertain significance (1 of 4 stars; one submission).

Submission:

Labcorp Genetics (formerly Invitae), Labcorp
Classification: Uncertain significance. Last evaluated: 2022-08-14. Review status: criteria provided, single submitter. Criteria: Invitae Variant Classification Sherloc (09022015). Collection method: clinical testing. Allele origin: germline.
Comment: In summary, the available evidence is currently insufficient to determine the role of this variant in disease. Therefore, it has been classified as a Variant of Uncertain Significance. Experimental studies and prediction algorithms are not available or were not evaluated, and the functional significance of this variant is currently unknown. This variant has not been reported in the literature in individuals affected with GPR179-related conditions. This variant is not present in population databases (gnomAD no frequency). This sequence change creates a premature translational stop signal (p.Glu1105*) in the GPR179 gene. While this is not anticipated to result in nonsense mediated decay, it is expected to disrupt the last 1263 amino acid(s) of the GPR179 protein.